The following is an entry in ClinVar:

ClinVar aggregate classification (germline): Likely pathogenic (1 of 4 stars; one submission).

Submission:

ARUP Laboratories, Molecular Genetics and Genomics, ARUP Laboratories
Classification: Likely pathogenic. Last evaluated: 2019-06-24. Review status: criteria provided, single submitter. Criteria: ARUP Molecular Germline Variant Investigation Process. Collection method: clinical testing. Allele origin: germline.
Comment: The COL1A1 c.2778_2786delTCCCCCTGG; p.Pro928_Pro930del variant, to our knowledge, is not reported in the medical literature or gene specific databases. This variant is also absent from general population databases (Exome Variant Server, Genome Aggregation Database), indicating it is not a common polymorphism. This variant deletes three amino acid residues leaving the rest of the protein in-frame, but occurs in the critical triple helical domain (Ben Amor 2011). Other short in-frame deletions and duplications in this region of the protein have been reported in individuals with osteogenesis imperfecta and are considered pathogenic (Hawkins 1991, Pace 2001, Ries-Levavi 2004). Based on available information, the p.Pro928_Pro930del variant is considered to be likely pathogenic. References: Ben Amor I et al. Genotype-phenotype correlations in autosomal dominant osteogenesis imperfecta. J Osteoporos. 2011; 2011:540178. Hawkins JR et al. A 9-base pair deletion in COL1A1 in a lethal variant of osteogenesis imperfecta. J Biol Chem. 1991 Nov 25;266(33):22370-4. Pace JM et al. Deletions and duplications of Gly-Xaa-Yaa triplet repeats in the triple helical domains of type I collagen chains disrupt helix formation and result in several types of osteogenesis imperfecta. Hum Mutat. 2001 Oct;18(4):319-26. Ries-Levavi L et al. Genetic and biochemical analyses of Israeli osteogenesis imperfecta patients. Hum Mutat. 2004 Apr;23(4):399-400.

NM_000088.4(COL1A1):c.2769TCCCCCTGG[1] (p.925PGP[1])

Gene: COL1A1 (collagen type I alpha 1 chain; minus strand). Cytogenetic location: 17q21.33.
Variant type: Microsatellite.
Coding change: c.2769TCCCCCTGG[1] on transcript NM_000088.4 (MANE Select); one copy of the 9-base unit TCCCCCTGG starting at c.2769; the reference has two copies in a row; one copy, 9 bases deleted.
Protein change: p.925PGP[1].
Molecular consequence: inframe deletion.
Genome position (GRCh38, 1-based): chr17:50,189,420-50,189,428, CCAGGGGGA deleted on the plus strand (TCCCCCTGG on the coding strand, the reverse complement: COL1A1 is on the minus strand); deleting any 9 consecutive bases within chr17:50,189,420-50,189,440 gives the same sequence; the position shown is the placement nearest the transcript's 3' end. VCF-style (leftmost placement, unchanged base first): chr17-50189419-GCCAGGGGGA-G. GRCh37 (hg19) VCF-style: chr17-48266780-GCCAGGGGGA-G.
Identifiers: ClinVar variation 811486 (VCV000811486.8), dbSNP rs1555572458, ClinGen allele CA915950604.